The following is an entry in ClinVar:

NM_000343.4(SLC5A1):c.1783C>A (p.Pro595Thr)

Gene: SLC5A1 (solute carrier family 5 member 1; plus strand). Cytogenetic location: 22q12.3.
Variant type: single nucleotide variant.
Coding change: c.1783C>A on transcript NM_000343.4 (MANE Select); coding-DNA position 1783, C replaced by A.
Protein change: p.Pro595Thr; replaces proline 595 with threonine.
Molecular consequence: missense variant.
Genome position (GRCh38, 1-based): chr22:32,110,001, C>A. VCF-style: chr22-32110001-C-A. GRCh37 (hg19) VCF-style: chr22-32505988-C-A.
Other names: c.1402C>A, p.Pro468Thr (NM_001256314.2); short protein forms P468T, P595T.
Identifiers: ClinVar variation 899621 (VCV000899621.10), dbSNP rs147453689, ClinGen allele CA10198340.

ClinVar aggregate classification (germline): Uncertain significance. Review status: criteria provided, multiple submitters, no conflicts (2 of 4 stars). 4 submissions from 4 submitters: Uncertain significance (4). Last evaluated 2024-08-08.

Conditions:
Congenital glucose-galactose malabsorption (GGM). Also called: DIARRHEA 16; MONOSACCHARIDE MALABSORPTION. Identifiers: Orphanet 35710, MedGen C0268186, MONDO:0011731, OMIM 606824.

Allele frequency attached by ClinVar (database versions not stated): ESP Exome Variant Server 0.00008; gnomAD 0.00012 and 0.00013; ExAC 0.00016; TOPMed 0.00018; gnomAD exomes 0.00020 and 0.00035.
gnomAD v4.1: 521 of 1,613,618 alleles (0.032%); highest among the groups gnomAD compares: Non-Finnish European, 0.04%; no homozygotes.

Submissions (4):

Blueprint Genetics
Classification: Uncertain significance. Last evaluated: 2024-08-08. Review status: criteria provided, single submitter. Criteria: ACMG Guidelines, 2015. Collection method: clinical testing. Allele origin: germline.

Fulgent Genetics
Classification: Uncertain significance for Congenital glucose-galactose malabsorption. Last evaluated: 2024-04-20. Review status: criteria provided, single submitter. Criteria: ACMG Guidelines, 2015. Collection method: clinical testing. Allele origin: germline.

Labcorp Genetics (formerly Invitae), Labcorp
Classification: Uncertain significance for Congenital glucose-galactose malabsorption. Last evaluated: 2023-11-01. Review status: criteria provided, single submitter. Criteria: Invitae Variant Classification Sherloc (09022015). Collection method: clinical testing. Allele origin: germline.
Comment: This sequence change replaces proline, which is neutral and non-polar, with threonine, which is neutral and polar, at codon 595 of the SLC5A1 protein (p.Pro595Thr). This variant is present in population databases (rs147453689, gnomAD 0.05%). This variant has not been reported in the literature in individuals affected with SLC5A1-related conditions. ClinVar contains an entry for this variant (Variation ID: 899621). An algorithm developed to predict the effect of missense changes on protein structure and function (PolyPhen-2) suggests that this variant¬†is likely to be tolerated. In summary, the available evidence is currently insufficient to determine the role of this variant in disease. Therefore, it has been classified as a Variant of Uncertain Significance.

Illumina Laboratory Services, Illumina
Classification: Uncertain significance for Congenital glucose-galactose malabsorption. Last evaluated: 2018-01-13. Review status: criteria provided, single submitter. Criteria: ICSL Variant Classification Criteria 13 December 2019. Collection method: clinical testing. Allele origin: germline.